The following is an entry in ClinVar:

NM_000071.3(CBS):c.1552+21_1552+22del

Gene: CBS (cystathionine beta-synthase; minus strand). Cytogenetic location: 21q22.3.
Variant type: Microsatellite.
Coding change: c.1552+21_1552+22del on transcript NM_000071.3 (MANE Select); bases 21 to 22 of the intron after coding-DNA position 1552, 2 bases deleted (TG; older notation c.1552+21_1552+22delTG).
Molecular consequence: intron variant.
Genome position (GRCh38, 1-based): chr21:43,056,781-43,056,782, CA deleted on the plus strand (TG on the coding strand, the reverse complement: CBS is on the minus strand); deleting any 2 consecutive bases within chr21:43,056,781-43,056,784 gives the same sequence; the c. name uses the placement nearest the transcript's 3' end. VCF-style (leftmost placement, unchanged base first): chr21-43056780-GCA-G. GRCh37 (hg19) VCF-style: chr21-44476890-GCA-G.
Other names: c.1552+21_1552+22del (NM_001320298.2, NM_001178009.3, NM_001178008.3); c.1237+21_1237+22del (NM_001321072.1); c.1552+21_1552+22delTG (NM_000071.2).
Identifiers: ClinVar variation 515297 (VCV000515297.1), dbSNP rs1555871062, ClinGen allele CA658799449.

ClinVar aggregate classification (germline): Likely benign (1 of 4 stars; one submission).

Submission:

GeneDx
Classification: Likely benign. Last evaluated: 2018-02-05. Review status: criteria provided, single submitter. Criteria: GeneDx Variant Classification (06012015). Collection method: clinical testing. Allele origin: germline. Affected: yes.
Comment: This variant is considered likely benign or benign based on one or more of the following criteria: it is a conservative change, it occurs at a poorly conserved position in the protein, it is predicted to be benign by multiple in silico algorithms, and/or has population frequency not consistent with disease.